The following is an entry in ClinVar:

NM_005732.4(RAD50):c.2252G>C (p.Arg751Thr)

Gene: RAD50 (RAD50 double strand break repair protein; plus strand). Cytogenetic location: 5q31.1.
Variant type: single nucleotide variant.
Coding change: c.2252G>C on transcript NM_005732.4 (MANE Select); coding-DNA position 2252, G replaced by C.
Protein change: p.Arg751Thr; replaces arginine 751 with threonine.
Molecular consequence: missense variant.
Genome position (GRCh38, 1-based): chr5:132,603,344, G>C. VCF-style: chr5-132603344-G-C. GRCh37 (hg19) VCF-style: chr5-131939036-G-C.
Other names: short protein forms R751T.
Identifiers: ClinVar variation 3429519 (VCV003429519.1).

ClinVar aggregate classification (germline): Uncertain significance (1 of 4 stars; one submission).

Conditions:
Hereditary cancer-predisposing syndrome. Also called: Neoplastic Syndromes, Hereditary; Tumor predisposition; Hereditary Cancer Syndrome; Hereditary neoplastic syndrome. Identifiers: Orphanet 140162, MedGen C0027672, MeSH D009386, MONDO:0015356.

Submission:

Ambry Genetics
Classification: Uncertain significance for Hereditary cancer-predisposing syndrome. Last evaluated: 2024-10-21. Review status: criteria provided, single submitter. Criteria: Ambry Variant Classification Scheme 2023. Collection method: clinical testing. Allele origin: germline.
Comment: The p.R751T variant (also known as c.2252G>C), located in coding exon 14 of the RAD50 gene, results from a G to C substitution at nucleotide position 2252. The arginine at codon 751 is replaced by threonine, an amino acid with similar properties. This amino acid position is conserved. In addition, this alteration is predicted to be deleterious by in silico analysis. Based on the available evidence, the clinical significance of this variant remains unclear.